The following is an entry in ClinVar:

ClinVar aggregate classification (germline): Likely benign. Review status: criteria provided, single submitter (1 of 4 stars). 2 submissions from 2 submitters: Likely benign (1). 1 of the submissions does not count toward it. Last evaluated 2020-04-13.

Conditions:
PTPRQ-related disorder. Also called: PTPRQ-related condition.

Allele frequency attached by ClinVar (database versions not stated): gnomAD exomes 0.00003 and 0.00005; gnomAD 0.00004; ExAC 0.00006; TOPMed 0.00009; 1000 Genomes Project 30x 0.00016; 1000 Genomes Project 0.00020.
gnomAD v4.1: 87 of 1,545,138 alleles (0.0056%); highest among the groups gnomAD compares: Non-Finnish European, 0.0064%; no homozygotes.

Submissions (2):

GeneDx
Classification: Likely benign. Last evaluated: 2020-04-13. Review status: criteria provided, single submitter. Criteria: GeneDx Variant Classification Process June 2021. Collection method: clinical testing. Allele origin: germline. Affected: yes.

PreventionGenetics, part of Exact Sciences
Classification: Likely benign for PTPRQ-related condition. Last evaluated: 2019-09-17. Review status: no assertion criteria provided. Collection method: clinical testing. Allele origin: germline. Not counted in ClinVar's aggregate classification.
Comment: This variant is classified as likely benign based on ACMG/AMP sequence variant interpretation guidelines (Richards et al. 2015 PMID: 25741868, with internal and published modifications).

NM_001145026.2(PTPRQ):c.189C>T (p.Ala63=)

Gene: PTPRQ (protein tyrosine phosphatase receptor type Q; plus strand). Cytogenetic location: 12q21.31.
Variant type: single nucleotide variant.
Coding change: c.189C>T on transcript NM_001145026.2 (MANE Select); coding-DNA position 189, C replaced by T.
Protein change: p.Ala63=; no amino-acid change (alanine 63 retained).
Molecular consequence: synonymous variant.
Genome position (GRCh38, 1-based): chr12:80,445,516, C>T. VCF-style: chr12-80445516-C-T. GRCh37 (hg19) VCF-style: chr12-80839296-C-T.
Identifiers: ClinVar variation 681345 (VCV000681345.4), dbSNP rs558947480, ClinGen allele CA6702301.
Genomic context (GRCh38, chr12:80,445,516, plus strand): 5'-TTGACCTTTTAACAAAATGGATTTTTTAAAAATAGAACCAGGGCCTCCAGTCTTCCTAGC[C>T]GGGGAAAGAGTCGGATCTGCTGGGATTCTTCTGTCTTGGAATACACCACCTAATCCAAAT-3'
Protein context (NP_001138498.1, residues 53-73): VTKPGPPVFL[Ala63=]GERVGSAGIL